The following is an entry in ClinVar:

ClinVar aggregate classification (germline): Benign. Review status: criteria provided, multiple submitters, no conflicts (2 of 4 stars). 2 submissions from 2 submitters: Benign (2). Last evaluated 2026-03-01.

Submissions (2):

CeGaT Center for Human Genetics Tuebingen
Classification: Benign. Last evaluated: 2026-03-01. Review status: criteria provided, single submitter. Criteria: CeGaT Center For Human Genetics Tuebingen Variant Classification Criteria Version 2. Collection method: clinical testing. Allele origin: germline. Affected: yes. Observed: 1 variant allele.
Comment: MPDZ: BS1, BS2

Labcorp Genetics (formerly Invitae), Labcorp
Classification: Benign. Last evaluated: 2026-02-01. Review status: criteria provided, single submitter. Criteria: Invitae Variant Classification Sherloc (09022015). Collection method: clinical testing. Allele origin: germline.

NM_001378778.1(MPDZ):c.2104_2105delinsAT (p.Glu702Met)

Gene: MPDZ (multiple PDZ domain crumbs cell polarity complex component; minus strand). Cytogenetic location: 9p23.
Variant type: Indel.
Coding change: c.2104_2105delinsAT on transcript NM_001378778.1 (MANE Select); coding-DNA positions 2104 to 2105, GA replaced by AT.
Protein change: p.Glu702Met; replaces glutamic acid 702 with methionine.
Molecular consequence: missense variant.
Genome position (GRCh38, 1-based): chr9:13,190,163-13,190,164, TC replaced by AT on the plus strand (GA replaced by AT on the coding strand, the reverse complement: MPDZ is on the minus strand). VCF-style: chr9-13190163-TC-AT. GRCh37 (hg19) VCF-style: chr9-13190162-TC-AT.
Other names: c.2104_2105delinsAT, p.Glu702Met (NM_001261406.2, NM_001261407.2, NM_001330637.2 and 14 more transcripts); short protein forms E702M.
Identifiers: ClinVar variation 1166470 (VCV001166470.13), dbSNP rs2134941232, ClinGen allele CA2499219685.